The following is an entry in ClinVar:

ClinVar aggregate classification (germline): Uncertain significance (1 of 4 stars; one submission).

Conditions:
Emery-Dreifuss muscular dystrophy 4, autosomal dominant (EDMD4). Also called: EMERY-DREIFUSS MUSCULAR DYSTROPHY 4 WITH VARIABLE FEATURES. Identifiers: Orphanet 261, MedGen C2751807, MONDO:0013071, OMIM 612998.
Autosomal recessive ataxia, Beauce type. Also called: SYNE1 Deficiency; Spinocerebellar ataxia, autosomal recessive 8; ATAXIA, RECESSIVE, OF BEAUCE; SYNE1-Related Autosomal Recessive Cerebellar Ataxia. Identifiers: Orphanet 88644, MedGen C1853116, MONDO:0012549, OMIM 610743.

gnomAD v4.1: 2 of 1,614,126 alleles (0.00012%); highest among the groups gnomAD compares: Admixed American, 0.0033%; no homozygotes.

Submission:

Labcorp Genetics (formerly Invitae), Labcorp
Classification: Uncertain significance for Emery-Dreifuss muscular dystrophy 4, autosomal dominant; Autosomal recessive ataxia, Beauce type. Last evaluated: 2022-03-14. Review status: criteria provided, single submitter. Criteria: Invitae Variant Classification Sherloc (09022015). Collection method: clinical testing. Allele origin: germline.
Comment: This sequence change replaces aspartic acid, which is acidic and polar, with glycine, which is neutral and non-polar, at codon 56 of the SYNE1 protein (p.Asp56Gly). This variant is present in population databases (no rsID available, gnomAD 0.006%). This variant has not been reported in the literature in individuals affected with SYNE1-related conditions. Algorithms developed to predict the effect of missense changes on protein structure and function are either unavailable or do not agree on the potential impact of this missense change (SIFT: "Deleterious"; PolyPhen-2: "Possibly Damaging"; Align-GVGD: "Class C0"). In summary, the available evidence is currently insufficient to determine the role of this variant in disease. Therefore, it has been classified as a Variant of Uncertain Significance.

NM_182961.4(SYNE1):c.167A>G (p.Asp56Gly)

Gene: SYNE1 (spectrin repeat containing nuclear envelope protein 1; minus strand). Cytogenetic location: 6q25.2.
Variant type: single nucleotide variant.
Coding change: c.167A>G on transcript NM_182961.4 (MANE Select); coding-DNA position 167, A replaced by G.
Protein change: p.Asp56Gly; replaces aspartic acid 56 with glycine.
Molecular consequence: missense variant.
Genome position (GRCh38, 1-based): chr6:152,526,138, T>C on the plus strand (A>G on the coding strand, the complement: SYNE1 is on the minus strand). VCF-style: chr6-152526138-T-C. GRCh37 (hg19) VCF-style: chr6-152847273-T-C.
Other names: c.167A>G, p.Asp56Gly (NM_033071.5); short protein forms D56G.
Identifiers: ClinVar variation 2106329 (VCV002106329.4), dbSNP rs374929339, ClinGen allele CA366113205.